The following is an entry in ClinVar:

NM_001253697.2(ERBIN):c.3287G>A (p.Arg1096Gln)

Gene: ERBIN (erbb2 interacting protein; plus strand). Cytogenetic location: 5q12.3.
Variant type: single nucleotide variant.
Coding change: c.3287G>A on transcript NM_001253697.2 (MANE Select); coding-DNA position 3287, G replaced by A.
Protein change: p.Arg1096Gln; replaces arginine 1096 with glutamine.
Molecular consequence: missense variant.
Genome position (GRCh38, 1-based): chr5:66,054,605, G>A. VCF-style: chr5-66054605-G-A. GRCh37 (hg19) VCF-style: chr5-65350433-G-A.
Other names: c.3287G>A, p.Arg1096Gln (NM_001006600.3, NM_001253698.2, NM_001253699.2 and 1 more transcripts); c.3275G>A, p.Arg1092Gln (NM_001253701.2); c.3287G>A (NM_018695.2); short protein forms R1092Q, R1096Q.
Identifiers: ClinVar variation 1448946 (VCV001448946.10), dbSNP rs149205613, ClinGen allele CA3286630.

ClinVar aggregate classification (germline): Uncertain significance. Review status: criteria provided, multiple submitters, no conflicts (2 of 4 stars). 3 submissions from 3 submitters: Uncertain significance (3). Last evaluated 2025-12-11.

Allele frequency attached by ClinVar (database versions not stated): gnomAD 0.00003 and 0.00005; TOPMed 0.00003; gnomAD exomes 0.00006 and 0.00008; ESP Exome Variant Server 0.00008; ExAC 0.00009; 1000 Genomes Project 30x 0.00016; 1000 Genomes Project 0.00020.
gnomAD v4.1: 95 of 1,614,042 alleles (0.0059%); highest among the groups gnomAD compares: South Asian, 0.071%; 2 homozygotes.

Submissions (3):

Labcorp Genetics (formerly Invitae), Labcorp
Classification: Uncertain significance. Last evaluated: 2025-12-11. Review status: criteria provided, single submitter. Criteria: Invitae Variant Classification Sherloc (09022015). Collection method: clinical testing. Allele origin: germline.
Comment: This sequence change replaces arginine, which is basic and polar, with glutamine, which is neutral and polar, at codon 1096 of the ERBIN protein (p.Arg1096Gln). This variant is present in population databases (rs149205613, gnomAD 0.05%). This variant has not been reported in the literature in individuals affected with ERBIN-related conditions. ClinVar contains an entry for this variant (Variation ID: 1448946). An algorithm developed to predict the effect of missense changes on protein structure and function (PolyPhen-2) suggests that this variant is likely to be tolerated. In summary, the available evidence is currently insufficient to determine the role of this variant in disease. Therefore, it has been classified as a Variant of Uncertain Significance.

Ambry Genetics
Classification: Uncertain significance. Last evaluated: 2021-07-21. Review status: criteria provided, single submitter. Criteria: Ambry Variant Classification Scheme 2023. Collection method: clinical testing. Allele origin: germline.

Breakthrough Genomics
Classification: Uncertain significance. Review status: criteria provided, single submitter. Criteria: ACMG Guidelines, 2015. Collection method: not provided. Allele origin: germline. Inheritance: Unknown mechanism. Affected: yes.